The following is an entry in ClinVar:

NM_173483.4(CYP4F22):c.1190G>A (p.Arg397His)

Gene: CYP4F22 (cytochrome P450 family 4 subfamily F member 22; plus strand). Cytogenetic location: 19p13.12.
Variant type: single nucleotide variant.
Coding change: c.1190G>A on transcript NM_173483.4 (MANE Select); coding-DNA position 1190, G replaced by A.
Protein change: p.Arg397His; replaces arginine 397 with histidine.
Molecular consequence: missense variant.
Genome position (GRCh38, 1-based): chr19:15,548,161, G>A. VCF-style: chr19-15548161-G-A. GRCh37 (hg19) VCF-style: chr19-15658972-G-A.
Other names: c.1190G>A (NM_173483.3); short protein forms R397H.
Identifiers: ClinVar variation 3367063 (VCV003367063.2).
Genomic context (GRCh38, chr19:15,548,161, plus strand): 5'-TCCCCAGGGACGATCTGACTCAGCTGCCCTTTACAACTATGTGCATTAAGGAGAGCCTGC[G>A]CCAGTACCCACCTGTCACTCTTGTCTCTCGCCAATGCACGGAGGACATCAAGCTCCCAGA-3'
Protein context (NP_775754.2, residues 387-407): FTTMCIKESL[Arg397His]QYPPVTLVSR

ClinVar aggregate classification (germline): Uncertain significance. Review status: criteria provided, multiple submitters, no conflicts (2 of 4 stars). 2 submissions from 2 submitters: Uncertain significance (2). Last evaluated 2025-06-24.

Conditions:
Autosomal recessive congenital ichthyosis 5 (ARCI5). Also called: ICHTHYOSIS CONGENITA III; Ichthyosis, nonlamellar and nonerythrodermic, congenital, autosomal recessive. Identifiers: Orphanet 313, MedGen C1858133, MONDO:0011485, OMIM 604777.
Inborn genetic diseases. Identifiers: MedGen C0950123, MeSH D030342.

gnomAD v4.1: 14 of 1,613,902 alleles (0.00087%); highest among the groups gnomAD compares: South Asian, 0.0055%; no homozygotes.

Submissions (2):

Ambry Genetics
Classification: Uncertain significance for Inborn genetic diseases. Last evaluated: 2025-06-24. Review status: criteria provided, single submitter. Criteria: Ambry Variant Classification Scheme 2023. Collection method: clinical testing. Allele origin: germline.

Neuberg Centre For Genomic Medicine, NCGM
Classification: Uncertain significance for Autosomal recessive congenital ichthyosis 5. Last evaluated: 2023-05-20. Review status: criteria provided, single submitter. Criteria: ACMG Guidelines, 2015. Collection method: clinical testing. Allele origin: germline. Inheritance: Autosomal recessive inheritance. Affected: yes.
Comment: The observed missense variant c.1190G>A(p.Arg397His) in CYP4F22 gene has not been reported previously as a pathogenic variant nor as a benign variant, to our knowledge. The c.1190G>A variant is absent in gnomAD Exomes. The amino acid Arginine at position 397 is changed to a Histidine changing protein sequence and it might alter its composition and physico-chemical properties. Multiple lines of computational evidence (Polyphen, SIFT and Mutation Taster) predict a damaging effect on protein structure and function for this variant. The amino acid change p.Arg397His in CYP4F22 is predicted as conserved by GERP++ and PhyloP across 100 vertebrates. For these reasons, this variant has been classified as Uncertain Significance.